The following is an entry in ClinVar:

ClinVar aggregate classification (germline): Benign/Likely benign. Review status: criteria provided, multiple submitters, no conflicts (2 of 4 stars). 3 submissions from 3 submitters: Benign (1); Likely benign (2). Last evaluated 2017-01-12.

Allele frequency attached by ClinVar (database versions not stated): 1000 Genomes Project 0.00899; 1000 Genomes Project 30x 0.00796.

Submissions (3):

Center for Pediatric Genomic Medicine, Children's Mercy Hospital and Clinics
Classification: Benign. Last evaluated: 2017-01-12. Review status: criteria provided, single submitter. Criteria: ACMG Guidelines, 2015. Collection method: clinical testing. Allele origin: germline.

GeneDx
Classification: Likely benign. Last evaluated: 2016-01-20. Review status: criteria provided, single submitter. Criteria: GeneDx Variant Classification (06012015). Collection method: clinical testing. Allele origin: germline. Affected: yes.
Comment: This variant is considered likely benign or benign based on one or more of the following criteria: it is a conservative change, it occurs at a poorly conserved position in the protein, it is predicted to be benign by multiple in silico algorithms, and/or has population frequency not consistent with disease.

Breakthrough Genomics
Classification: Likely benign. Review status: criteria provided, single submitter. Criteria: ACMG Guidelines, 2015. Collection method: not provided. Allele origin: germline. Inheritance: Autosomal recessive inheritance. Affected: yes.

NM_001205254.2(OCLN):c.922G>A (p.Val308Met)

Gene: OCLN (occludin; plus strand). Cytogenetic location: 5q13.2.
Variant type: single nucleotide variant.
Coding change: c.922G>A on transcript NM_001205254.2 (MANE Select); coding-DNA position 922, G replaced by A.
Protein change: p.Val308Met; replaces valine 308 with methionine.
Molecular consequence: missense variant.
Genome position (GRCh38, 1-based): chr5:69,534,724, G>A. VCF-style: chr5-69534724-G-A. GRCh37 (hg19) VCF-style: chr5-68830551-G-A.
Other names: c.169G>A, p.Val57Met (NM_001205255.2); c.760G>A, p.Val254Met (NM_001410743.1); c.922G>A, p.Val308Met (NM_002538.4); short protein forms V308M, V57M, V254M.
Identifiers: ClinVar variation 377038 (VCV000377038.3), dbSNP rs369518478, ClinGen allele CA3294545.
Genomic context (GRCh38, chr5:69,534,724, plus strand): 5'-AATAATAACTATCTCTTGGGGTTTTTTAAGGTTAAAAATGTGTCTGCAGGCACACAGGAC[G>A]TGCCTTCACCCCCATCTGACTATGTGGAAAGAGTTGACAGTCCCATGGCATACTCTTCCA-3'
Protein context (NP_001192183.1, residues 298-318): VKNVSAGTQD[Val308Met]PSPPSDYVER